The following is an entry in ClinVar:

NM_014855.3(AP5Z1):c.1708-5C>T

Gene: AP5Z1 (adaptor related protein complex 5 subunit zeta 1; plus strand). Cytogenetic location: 7p22.1.
Variant type: single nucleotide variant.
Coding change: c.1708-5C>T on transcript NM_014855.3 (MANE Select); 5 bases into the intron before coding-DNA position 1708, C replaced by T.
Molecular consequence: intron variant.
Genome position (GRCh38, 1-based): chr7:4,789,827, C>T. VCF-style: chr7-4789827-C-T. GRCh37 (hg19) VCF-style: chr7-4829458-C-T.
Other names: p.?; c.1708-5C>T (LRG_1247t1); c.1240-5C>T (NM_001364858.1).
Identifiers: ClinVar variation 360335 (VCV000360335.23), dbSNP rs184752711, ClinGen allele CA4138000.

ClinVar aggregate classification (germline): Benign/Likely benign. Review status: criteria provided, multiple submitters, no conflicts (2 of 4 stars). 6 submissions from 6 submitters: Benign (4); Likely benign (2). Last evaluated 2026-01-26.

Conditions:
Hereditary spastic paraplegia. Also called: Familial spastic paraparesis. Identifiers: Orphanet 685, MedGen C0037773, MONDO:0019064. Disease mechanism: loss of function.
Hereditary spastic paraplegia 48. Also called: SPASTIC PARAPLEGIA 48, AUTOSOMAL RECESSIVE; Spastic paraplegia 48. Identifiers: Orphanet 306511, MedGen C3150901, MONDO:0013342, OMIM 613647.

Allele frequency attached by ClinVar (database versions not stated): 1000 Genomes Project 0.00559; 1000 Genomes Project 30x 0.00562; ESP Exome Variant Server 0.00665; TOPMed 0.00865; gnomAD 0.00975 and 0.00977; gnomAD exomes 0.01036; ExAC 0.01293.
gnomAD v4.1: 21,760 of 1,551,156 alleles (1.4%); highest among the groups gnomAD compares: Non-Finnish European, 1.7%; 223 homozygotes.

Submissions (6):

Labcorp Genetics (formerly Invitae), Labcorp
Classification: Benign for Hereditary spastic paraplegia 48. Last evaluated: 2026-01-26. Review status: criteria provided, single submitter. Criteria: Invitae Variant Classification Sherloc (09022015). Collection method: clinical testing. Allele origin: germline.

Athena Diagnostics
Classification: Benign. Last evaluated: 2024-04-29. Review status: criteria provided, single submitter. Criteria: Athena Diagnostics Criteria. Collection method: clinical testing. Allele origin: unknown.

Genome Diagnostics Laboratory, The Hospital for Sick Children
Classification: Benign for Hereditary spastic paraplegia. Last evaluated: 2020-11-04. Review status: criteria provided, single submitter. Criteria: ACMG Guidelines, 2015. Collection method: clinical testing. Allele origin: germline. Affected: yes.

GeneDx
Classification: Likely benign. Last evaluated: 2020-10-15. Review status: criteria provided, single submitter. Criteria: GeneDx Variant Classification Process June 2021. Collection method: clinical testing. Allele origin: germline. Affected: yes.

Mayo Clinic Laboratories, Mayo Clinic
Classification: Benign. Last evaluated: 2019-11-13. Review status: criteria provided, single submitter. Criteria: ACMG Guidelines, 2015. Collection method: clinical testing. Allele origin: germline. Observed: 33 variant alleles.

Illumina Laboratory Services, Illumina
Classification: Likely benign for Hereditary spastic paraplegia 48. Last evaluated: 2018-01-13. Review status: criteria provided, single submitter. Criteria: ICSL Variant Classification Criteria 13 December 2019. Collection method: clinical testing. Allele origin: germline.
Comment: This variant was observed in the ICSL laboratory as part of a predisposition screen in an ostensibly healthy population. It had not been previously curated by ICSL or reported in the Human Gene Mutation Database (HGMD: prior to June 1st, 2018), and was therefore a candidate for classification through an automated scoring system. Utilizing variant allele frequency, disease prevalence and penetrance estimates, and inheritance mode, an automated score was calculated to assess if this variant is too frequent to cause the disease. Based on the score and internal cut-off values, a variant classified as likely benign is not then subjected to further curation. The score for this variant resulted in a classification of likely benign for this disease.